The following is an entry in ClinVar:

NM_000455.5(STK11):c.993G>A (p.Arg331=)

Genes: STK11 (serine/threonine kinase 11; plus strand), LOC130062899 (ATAC-STARR-seq lymphoblastoid active region 13597; plus strand). Cytogenetic location: 19p13.3.
Variant type: single nucleotide variant.
Coding change: c.993G>A on transcript NM_000455.5 (MANE Select); coding-DNA position 993, G replaced by A.
Protein change: p.Arg331=; no amino-acid change (arginine 331 retained).
Molecular consequence: synonymous variant.
Genome position (GRCh38, 1-based): chr19:1,223,057, G>A. VCF-style: chr19-1223057-G-A. GRCh37 (hg19) VCF-style: chr19-1223056-G-A.
Identifiers: ClinVar variation 717767 (VCV000717767.12), dbSNP rs1599929398, ClinGen allele CA504707759.

ClinVar aggregate classification (germline): Benign/Likely benign. Review status: criteria provided, multiple submitters, no conflicts (2 of 4 stars). 3 submissions from 3 submitters: Benign (1); Likely benign (2). Last evaluated 2025-03-28.

Conditions:
Peutz-Jeghers syndrome (PJS). Also called: Peutz-Jeghers polyposis; Periorificial lentiginosis syndrome; POLYPOSIS, HAMARTOMATOUS INTESTINAL; POLYPS-AND-SPOTS SYNDROME. Identifiers: Orphanet 2869, MedGen C0031269, MeSH D010580, MONDO:0008280, OMIM 175200.

Submissions (3):

Myriad Genetics, Inc.
Classification: Benign for Peutz-Jeghers syndrome. Last evaluated: 2025-03-28. Review status: criteria provided, single submitter. Criteria: Myriad Autosomal Dominant, Autosomal Recessive and X-Linked Classification Criteria (2023). Collection method: clinical testing. Allele origin: unknown.
Comment: This variant is considered benign. This variant is a silent/synonymous amino acid change and it is not expected to impact splicing.

Labcorp Genetics (formerly Invitae), Labcorp
Classification: Likely benign for Peutz-Jeghers syndrome. Last evaluated: 2025-02-09. Review status: criteria provided, single submitter. Criteria: Invitae Variant Classification Sherloc (09022015). Collection method: clinical testing. Allele origin: germline.

All of Us Research Program, National Institutes of Health
Classification: Likely benign for Peutz-Jeghers syndrome. Last evaluated: 2024-05-14. Review status: criteria provided, single submitter. Criteria: ACMG Guidelines, 2015. Collection method: clinical testing. Allele origin: germline. Inheritance: Autosomal dominant inheritance. Observed: 1 variant allele, 1 heterozygote.
Comment: This study involves interpretation of variants in research participants for the purpose of population health screening. Participant phenotype was not available at the time of variant classification. Additional details can be found in publication PMID: 35346344, PMCID: PMC8962531